The following is an entry in ClinVar:

ClinVar aggregate classification (germline): Uncertain significance (1 of 4 stars; one submission).

Conditions:
Hereditary cancer-predisposing syndrome. Also called: Hereditary neoplastic syndrome; Neoplastic Syndromes, Hereditary; Tumor predisposition; Hereditary Cancer Syndrome. Identifiers: Orphanet 140162, MedGen C0027672, MeSH D009386, MONDO:0015356.

Submission:

Ambry Genetics
Classification: Uncertain significance for Hereditary cancer-predisposing syndrome. Last evaluated: 2025-08-27. Review status: criteria provided, single submitter. Criteria: Ambry Variant Classification Scheme 2023. Collection method: clinical testing. Allele origin: germline.
Comment: The p.H542L variant (also known as c.1625A>T), located in coding exon 16 of the MUTYH gene, results from an A to T substitution at nucleotide position 1625. The histidine at codon 542 is replaced by leucine, an amino acid with similar properties. This amino acid position is conserved. In addition, this alteration is predicted to be tolerated by in silico analysis. Based on the available evidence, the clinical significance of this variant remains unclear.

NM_001048174.2(MUTYH):c.1541A>T (p.His514Leu)

Gene: MUTYH (mutY DNA glycosylase; minus strand). Cytogenetic location: 1p34.1.
Variant type: single nucleotide variant.
Coding change: c.1541A>T on transcript NM_001048174.2 (MANE Select); coding-DNA position 1541, A replaced by T.
Protein change: p.His514Leu; replaces histidine 514 with leucine.
Molecular consequence: missense variant. On other transcripts: non-coding transcript variant (7).
Genome position (GRCh38, 1-based): chr1:45,329,331, T>A on the plus strand (A>T on the coding strand, the complement: MUTYH is on the minus strand). VCF-style: chr1-45329331-T-A. GRCh37 (hg19) VCF-style: chr1-45795003-T-A.
Other names: c.1541A>T, p.His514Leu (NM_001293195.2, NM_001407070.1, NM_001407072.1 and 6 more transcripts); c.1265A>T, p.His422Leu (NM_001293196.2, NM_001407091.1, NM_001293192.2); c.1196A>T, p.His399Leu (NM_001350650.2, NM_001350651.2, NM_001407082.1); c.1574A>T, p.His525Leu (NM_001407069.1, NM_001293191.2, NM_001407077.1); c.1544A>T, p.His515Leu (NM_001407071.1, NM_001048172.2, NM_001407078.1 and 1 more transcripts); c.1457A>T, p.His486Leu (NM_001407075.1); c.1562A>T, p.His521Leu (NM_001407087.1); c.1616A>T, p.His539Leu (NM_012222.3); and 5 more; short protein forms H500L, H521L, H529L, H399L, H486L, H514L, H528L, H539L.
Identifiers: ClinVar variation 4113458 (VCV004113458.1).